The following is an entry in ClinVar:

NM_177965.4(CFAP418):c.190G>A (p.Asp64Asn)

Gene: CFAP418 (cilia and flagella associated protein 418; minus strand). Cytogenetic location: 8q22.1.
Variant type: single nucleotide variant.
Coding change: c.190G>A on transcript NM_177965.4 (MANE Select); coding-DNA position 190, G replaced by A.
Protein change: p.Asp64Asn; replaces aspartic acid 64 with asparagine.
Molecular consequence: missense variant.
Genome position (GRCh38, 1-based): chr8:95,263,740, C>T on the plus strand (G>A on the coding strand, the complement: CFAP418 is on the minus strand). VCF-style: chr8-95263740-C-T. GRCh37 (hg19) VCF-style: chr8-96275968-C-T.
Other names: c.190G>A, p.Asp64Asn (NM_001363260.1); short protein forms D64N.
Identifiers: ClinVar variation 1681141 (VCV001681141.7), dbSNP rs1169852908, ClinGen allele CA371837631.
Genomic context (GRCh38, chr8:95,263,740, plus strand): 5'-GACTTACAGAGGGTTTTTTGTCCAAGTTGGGCTCTTCAAGTATTTCATTAATAAGACTGT[C>T]AAGATCATCTTCTTTTTTAAATGTTTCTGTTGATCTGAAAAGAAGACATACACAAAGAAA-3'
Protein context (NP_808880.1, residues 54-74): TETFKKEDDL[Asp64Asn]SLINEILEEP

ClinVar aggregate classification (germline): Uncertain significance (1 of 4 stars; one submission).

Allele frequency attached by ClinVar (database versions not stated): TOPMed 0.00001; gnomAD exomes below 0.00001.
gnomAD v4.1: 1 of 1,609,186 alleles (0.000062%); highest among the groups gnomAD compares: African/African-American, 0.0013%; no homozygotes.

Submission:

Labcorp Genetics (formerly Invitae), Labcorp
Classification: Uncertain significance. Last evaluated: 2022-06-08. Review status: criteria provided, single submitter. Criteria: Invitae Variant Classification Sherloc (09022015). Collection method: clinical testing. Allele origin: germline.
Comment: This sequence change replaces aspartic acid, which is acidic and polar, with asparagine, which is neutral and polar, at codon 64 of the C8orf37 protein (p.Asp64Asn). This variant is not present in population databases (gnomAD no frequency). This variant has not been reported in the literature in individuals affected with C8orf37-related conditions. Algorithms developed to predict the effect of missense changes on protein structure and function are either unavailable or do not agree on the potential impact of this missense change (SIFT: "Deleterious"; PolyPhen-2: "Possibly Damaging"; Align-GVGD: "Class C0"). In summary, the available evidence is currently insufficient to determine the role of this variant in disease. Therefore, it has been classified as a Variant of Uncertain Significance.